The following is an entry in ClinVar:

NM_000384.3(APOB):c.12443C>A (p.Ala4148Asp)

Gene: APOB (apolipoprotein B; minus strand). Cytogenetic location: 2p24.1.
Variant type: single nucleotide variant.
Coding change: c.12443C>A on transcript NM_000384.3 (MANE Select); coding-DNA position 12443, C replaced by A.
Protein change: p.Ala4148Asp; replaces alanine 4148 with aspartic acid.
Molecular consequence: missense variant.
Genome position (GRCh38, 1-based): chr2:21,002,979, G>T on the plus strand (C>A on the coding strand, the complement: APOB is on the minus strand). VCF-style: chr2-21002979-G-T. GRCh37 (hg19) VCF-style: chr2-21225851-G-T.
Other names: short protein forms A4148D.
Identifiers: ClinVar variation 334077 (VCV000334077.27), dbSNP rs756476242, ClinGen allele CA050302.

ClinVar aggregate classification (germline): Uncertain significance. Review status: criteria provided, multiple submitters, no conflicts (2 of 4 stars). 5 submissions from 4 submitters: Uncertain significance (5). Last evaluated 2025-03-31.

Conditions:
Hypercholesterolemia, autosomal dominant, type B (FHCL2). Also called: Familial hypercholesterolemia 2; APOB-Related Familial Hypercholesterolemia, Autosomal Dominant; APOLIPOPROTEIN B-100, FAMILIAL DEFECTIVE; APOLIPOPROTEIN B-100, FAMILIAL LIGAND-DEFECTIVE; Familial Hypercholesterolemia Type B; HYPERCHOLESTEROLEMIA, FAMILIAL, DUE TO LIGAND-DEFECTIVE APOLIPOPROTEIN B. Identifiers: MedGen C1704417, MONDO:0007751, OMIM 144010.
Cardiovascular phenotype. Identifiers: MedGen CN230736.
Familial hypobetalipoproteinemia 1. Also called: APOB-Related Familial Hypobetalipoproteinemia; Hypobetalipoproteinemia, normotriglyceridemic; Acanthocytosis with hypobetalipoproteinemia. Identifiers: MedGen C4551990, MONDO:0014252, OMIM 615558.

Allele frequency attached by ClinVar (database versions not stated): ExAC 0.00001; gnomAD exomes 0.00002 and 0.00003; gnomAD 0.00003 and 0.00004; TOPMed 0.00004.
gnomAD v4.1: 45 of 1,595,410 alleles (0.0028%); highest among the groups gnomAD compares: Middle Eastern, 0.017%; no homozygotes.

Submissions (5):

Ambry Genetics
Classification: Uncertain significance for Cardiovascular phenotype. Last evaluated: 2025-03-31. Review status: criteria provided, single submitter. Criteria: Ambry Variant Classification Scheme 2023. Collection method: clinical testing. Allele origin: germline.
Comment: The p.A4148D variant (also known as c.12443C>A), located in coding exon 29 of the APOB gene, results from a C to A substitution at nucleotide position 12443. The alanine at codon 4148 is replaced by aspartic acid, an amino acid with dissimilar properties. This amino acid position is conserved. In addition, this alteration is predicted to be tolerated by in silico analysis. Since supporting evidence is limited at this time, the clinical significance of this alteration remains unclear.

CeGaT Center for Human Genetics Tuebingen
Classification: Uncertain significance. Last evaluated: 2024-06-01. Review status: criteria provided, single submitter. Criteria: CeGaT Center For Human Genetics Tuebingen Variant Classification Criteria Version 2. Collection method: clinical testing. Allele origin: germline. Affected: yes. Observed: 1 variant allele.
Comment: APOB: PM2, BP4

Fulgent Genetics
Classification: Uncertain significance for Hypercholesterolemia, autosomal dominant, type B; Familial hypobetalipoproteinemia 1. Last evaluated: 2021-09-13. Review status: criteria provided, single submitter. Criteria: ACMG Guidelines, 2015. Collection method: clinical testing. Allele origin: unknown.

Illumina Laboratory Services, Illumina
Classification: Uncertain significance for Familial hypobetalipoproteinemia 1. Last evaluated: 2018-01-13. Review status: criteria provided, single submitter. Criteria: ICSL Variant Classification Criteria 13 December 2019. Collection method: clinical testing. Allele origin: germline.

Illumina Laboratory Services, Illumina
Classification: Uncertain significance for Hypercholesterolemia, autosomal dominant, type B. Last evaluated: 2018-01-13. Review status: criteria provided, single submitter. Criteria: ICSL Variant Classification Criteria 13 December 2019. Collection method: clinical testing. Allele origin: germline.